The following is an entry in ClinVar:

NM_001393586.1(MYO7B):c.5034G>A (p.Pro1678=)

Gene: MYO7B (myosin VIIB; plus strand). Cytogenetic location: 2q14.3.
Variant type: single nucleotide variant.
Coding change: c.5034G>A on transcript NM_001393586.1 (MANE Select); coding-DNA position 5034, G replaced by A.
Protein change: p.Pro1678=; no amino-acid change (proline 1678 retained).
Molecular consequence: synonymous variant.
Genome position (GRCh38, 1-based): chr2:127,631,302, G>A. VCF-style: chr2-127631302-G-A. GRCh37 (hg19) VCF-style: chr2-128388877-G-A.
Other names: c.4956G>A, p.Pro1652= (NM_001080527.2); c.1515G>A, p.Pro505= (NM_001393594.1).
Identifiers: ClinVar variation 3345973 (VCV003345973.1).

ClinVar aggregate classification (germline): Likely benign (0 of 4 stars; one submission).

Conditions:
MYO7B-related disorder. Also called: MYO7B-related condition.

gnomAD v4.1: 39 of 1,612,280 alleles (0.0024%); highest among the groups gnomAD compares: Middle Eastern, 0.016%; no homozygotes.

Submission:

PreventionGenetics, part of Exact Sciences
Classification: Likely benign for MYO7B-related condition. Last evaluated: 2020-02-26. Review status: no assertion criteria provided. Collection method: clinical testing. Allele origin: germline.
Comment: This variant is classified as likely benign based on ACMG/AMP sequence variant interpretation guidelines (Richards et al. 2015 PMID: 25741868, with internal and published modifications).